The following is an entry in ClinVar:

NM_016169.4(SUFU):c.1272del (p.Pro423_Tyr424insTer)

Gene: SUFU (SUFU negative regulator of hedgehog signaling; plus strand). Cytogenetic location: 10q24.32.
Variant type: Deletion.
Coding change: c.1272del on transcript NM_016169.4 (MANE Select); coding-DNA position 1272, one base deleted (C; older notation c.1272delC).
Protein change: p.Pro423_Tyr424insTer.
Molecular consequence: nonsense. On other transcripts: frameshift variant (1).
Genome position (GRCh38, 1-based): chr10:102,617,404, C deleted. VCF-style (leftmost placement, unchanged base first): chr10-102617403-AC-A. GRCh37 (hg19) VCF-style: chr10-104377160-AC-A.
Other names: c.1272del, p.Pro423_Tyr424insTer (NM_001178133.2); c.1272delC, p.Tyr424Terfs (NM_016169.3).
Identifiers: ClinVar variation 5038406 (VCV005038406.1).

ClinVar aggregate classification (germline): Pathogenic (1 of 4 stars; one submission).

Conditions:
Basal cell nevus syndrome 1 (BCNS1). Also called: MULTIPLE BASAL CELL NEVI, ODONTOGENIC KERATOCYSTS, AND SKELETAL ANOMALIES; GORLIN-GOLTZ SYNDROME. Identifiers: MedGen CN376810, MONDO:0958174, OMIM 109400.

Submission:

St. Jude Molecular Pathology, St. Jude Children's Research Hospital
Classification: Pathogenic for Basal cell nevus syndrome 1. Last evaluated: 2026-10-01. Review status: criteria provided, single submitter. Criteria: St. Jude Assertion Criteria 2020. Collection method: clinical testing. Allele origin: germline.
Comment: The SUFU c.1272del p.(Tyr424Ter) change deletes one nucleotide to cause a frameshift and the creation of a premature stop codon. This change is predicted to cause protein truncation or absence of protein due to nonsense-mediated decay. This variant is absent in gnomAD v2.1.1. In summary, this variant meets crit eria to be classified as pathogenic.